The following is an entry in ClinVar:

ClinVar aggregate classification (germline): Uncertain significance (1 of 4 stars; one submission).

Conditions:
TP63-Related Spectrum Disorders.

Allele frequency attached by ClinVar (database versions not stated): TOPMed below 0.00001.
gnomAD v4.1: 1 of 1,614,026 alleles (0.000062%); no homozygotes.

Submission:

Labcorp Genetics (formerly Invitae), Labcorp
Classification: Uncertain significance. Last evaluated: 2024-01-03. Review status: criteria provided, single submitter. Criteria: Invitae Variant Classification Sherloc (09022015). Collection method: clinical testing. Allele origin: germline.
Comment: This sequence change replaces serine, which is neutral and polar, with leucine, which is neutral and non-polar, at codon 365 of the TP63 protein (p.Ser365Leu). This variant is present in population databases (rs147148566, gnomAD 0.0009%). This variant has not been reported in the literature in individuals affected with TP63-related conditions. Advanced modeling of protein sequence and biophysical properties (such as structural, functional, and spatial information, amino acid conservation, physicochemical variation, residue mobility, and thermodynamic stability) has been performed at Invitae for this missense variant, however the output from this modeling did not meet the statistical confidence thresholds required to predict the impact of this variant on TP63 protein function. In summary, the available evidence is currently insufficient to determine the role of this variant in disease. Therefore, it has been classified as a Variant of Uncertain Significance.

NM_003722.5(TP63):c.1094C>T (p.Ser365Leu)

Gene: TP63 (tumor protein p63; plus strand). Cytogenetic location: 3q28.
Variant type: single nucleotide variant.
Coding change: c.1094C>T on transcript NM_003722.5 (MANE Select); coding-DNA position 1094, C replaced by T.
Protein change: p.Ser365Leu; replaces serine 365 with leucine.
Molecular consequence: missense variant.
Genome position (GRCh38, 1-based): chr3:189,868,681, C>T. VCF-style: chr3-189868681-C-T. GRCh37 (hg19) VCF-style: chr3-189586470-C-T.
Other names: c.1094C>T, p.Ser365Leu (NM_001114978.2, NM_001114979.2, NM_001329144.2 and 1 more transcripts); c.812C>T, p.Ser271Leu (NM_001114980.2, NM_001114981.2, NM_001114982.2 and 2 more transcripts); c.557C>T, p.Ser186Leu (NM_001329146.2, NM_001329150.2); c.1088C>T, p.Ser363Leu (NM_001329964.2); short protein forms S365L, S271L, S186L, S363L.
Identifiers: ClinVar variation 2883542 (VCV002883542.2), dbSNP rs147148566, ClinGen allele CA89746785.